The following is an entry in ClinVar:

NM_000393.5(COL5A2):c.2770-190G>A

Gene: COL5A2 (collagen type V alpha 2 chain; minus strand). Cytogenetic location: 2q32.2.
Variant type: single nucleotide variant.
Coding change: c.2770-190G>A on transcript NM_000393.5 (MANE Select); 190 bases into the intron before coding-DNA position 2770, G replaced by A.
Molecular consequence: intron variant.
Genome position (GRCh38, 1-based): chr2:189,051,671, C>T on the plus strand (G>A on the coding strand, the complement: COL5A2 is on the minus strand). VCF-style: chr2-189051671-C-T. GRCh37 (hg19) VCF-style: chr2-189916397-C-T.
Identifiers: ClinVar variation 674323 (VCV000674323.1), dbSNP rs117025177, ClinGen allele CA62596003.

ClinVar aggregate classification (germline): Likely benign (1 of 4 stars; one submission).

Allele frequency attached by ClinVar (database versions not stated): gnomAD 0.01232 and 0.01540; TOPMed 0.01606; 1000 Genomes Project 0.04293; 1000 Genomes Project 30x 0.04357.
gnomAD v4.1: 2,325 of 152,174 alleles (1.5%); highest among the groups gnomAD compares: South Asian, 8.6%; 49 homozygotes.

Submission:

GeneDx
Classification: Likely benign. Last evaluated: 2018-06-14. Review status: criteria provided, single submitter. Criteria: GeneDx Variant Classification (06012015). Collection method: clinical testing. Allele origin: germline. Affected: yes.
Comment: This variant is considered likely benign or benign based on one or more of the following criteria: it is a conservative change, it occurs at a poorly conserved position in the protein, it is predicted to be benign by multiple in silico algorithms, and/or has population frequency not consistent with disease.